The following is an entry in ClinVar:

ClinVar aggregate classification (germline): Conflicting classifications of pathogenicity. Review status: criteria provided, conflicting classifications (1 of 4 stars). 2 submissions from 2 submitters: Uncertain significance (1); Likely benign (1). Last evaluated 2025-02-23.

Conditions:
Cardiovascular phenotype. Identifiers: MedGen CN230736.
Hypercholesterolemia, autosomal dominant, 3 (FHCL3). Also called: Familial Hypercholesterolemia, Autosomal Dominant, 3; PCSK9-Related Familial Hypercholesterolemia, Autosomal Dominant; Familial hypercholesterolemia 3. Identifiers: MedGen C1863551, MONDO:0011369, OMIM 603776.

Allele frequency attached by ClinVar (database versions not stated): gnomAD exomes below 0.00001.
gnomAD v4.1: 2 of 1,564,280 alleles (0.00013%); highest among the groups gnomAD compares: Non-Finnish European, 0.00017%; no homozygotes.

Submissions (2):

Ambry Genetics
Classification: Likely benign for Cardiovascular phenotype. Last evaluated: 2025-02-23. Review status: criteria provided, single submitter. Criteria: Ambry Variant Classification Scheme 2023. Collection method: clinical testing. Allele origin: germline.

All of Us Research Program, National Institutes of Health
Classification: Uncertain significance for Hypercholesterolemia, autosomal dominant, 3. Last evaluated: 2023-05-31. Review status: criteria provided, single submitter. Criteria: ACMG Guidelines, 2015. Collection method: clinical testing. Allele origin: germline. Inheritance: Autosomal dominant inheritance. Observed: 2 variant alleles, 2 heterozygotes.
Comment: This missense variant replaces threonine with alanine at codon 313 of the PCSK9 protein. Computational prediction suggests that this variant may not impact protein structure and function (internally defined REVEL score threshold <= 0.5, PMID: 27666373). To our knowledge, functional studies have not been reported for this variant. This variant has not been reported in individuals affected with PCSK9-related disorders in the literature. This variant has been identified in 1/205540 chromosomes in the general population by the Genome Aggregation Database (gnomAD). The available evidence is insufficient to determine the role of this variant in disease conclusively. Therefore, this variant is classified as a Variant of Uncertain Significance.

This study involves interpretation of variants in research participants for the purpose of population health screening. Participant phenotype was not available at the time of variant classification. Additional details can be found in publication PMID: 35346344, PMCID: PMC8962531

NM_174936.4(PCSK9):c.937A>G (p.Thr313Ala)

Gene: PCSK9 (proprotein convertase subtilisin/kexin type 9; plus strand). Cytogenetic location: 1p32.3.
Variant type: single nucleotide variant.
Coding change: c.937A>G on transcript NM_174936.4 (MANE Select); coding-DNA position 937, A replaced by G.
Protein change: p.Thr313Ala; replaces threonine 313 with alanine.
Molecular consequence: missense variant. On other transcripts: non-coding transcript variant (8).
Genome position (GRCh38, 1-based): chr1:55,056,130, A>G. VCF-style: chr1-55056130-A-G. GRCh37 (hg19) VCF-style: chr1-55521803-A-G.
Other names: c.1060A>G, p.Thr354Ala (NM_001407240.1); c.937A>G, p.Thr313Ala (NM_001407241.1, NM_001407244.1, NM_001407247.1); c.940A>G, p.Thr314Ala (NM_001407242.1); c.880A>G, p.Thr294Ala (NM_001407243.1); c.745A>G, p.Thr249Ala (NM_001407245.1); c.562A>G, p.Thr188Ala (NM_001407246.1); short protein forms T188A, T249A, T294A, T313A, T314A, T354A.
Identifiers: ClinVar variation 3071240 (VCV003071240.2), dbSNP rs1205972630, ClinGen allele CA340474991.